The following is an entry in ClinVar:

NM_001852.4(COL9A2):c.1569_1571del (p.Gln523del)

Gene: COL9A2 (collagen type IX alpha 2 chain; minus strand). Cytogenetic location: 1p34.2.
Variant type: Deletion.
Coding change: c.1569_1571del on transcript NM_001852.4 (MANE Select); coding-DNA positions 1569 to 1571, 3 bases deleted (GCA; older notation c.1569_1571delGCA).
Protein change: p.Gln523del; deletes glutamine 523.
Molecular consequence: inframe deletion.
Genome position (GRCh38, 1-based): chr1:40,303,163-40,303,165, TGC deleted on the plus strand (GCA on the coding strand, the reverse complement: COL9A2 is on the minus strand); deleting any 3 consecutive bases within chr1:40,303,163-40,303,167 gives the same sequence; the c. name uses the placement nearest the transcript's 3' end. VCF-style (leftmost placement, unchanged base first): chr1-40303162-GTGC-G. GRCh37 (hg19) VCF-style: chr1-40768834-GTGC-G.
Other names: short protein forms Q523del.
Identifiers: ClinVar variation 1938371 (VCV001938371.5), dbSNP rs2522483648, ClinGen allele CA2574330507.

ClinVar aggregate classification (germline): Uncertain significance (1 of 4 stars; one submission).

Submission:

Labcorp Genetics (formerly Invitae), Labcorp
Classification: Uncertain significance. Last evaluated: 2022-07-07. Review status: criteria provided, single submitter. Criteria: Invitae Variant Classification Sherloc (09022015). Collection method: clinical testing. Allele origin: germline.
Comment: In summary, the available evidence is currently insufficient to determine the role of this variant in disease. Therefore, it has been classified as a Variant of Uncertain Significance. Experimental studies and prediction algorithms are not available or were not evaluated, and the functional significance of this variant is currently unknown. This variant has not been reported in the literature in individuals affected with COL9A2-related conditions. This variant is not present in population databases (gnomAD no frequency). This variant, c.1569_1571del, results in the deletion of 1 amino acid(s) of the COL9A2 protein (p.Gln523del), but otherwise preserves the integrity of the reading frame.